The following is an entry in ClinVar:

NM_004999.4(MYO6):c.2159A>G (p.Lys720Arg)

Gene: MYO6 (myosin VI; plus strand). Cytogenetic location: 6q14.1.
Variant type: single nucleotide variant.
Coding change: c.2159A>G on transcript NM_004999.4 (MANE Select); coding-DNA position 2159, A replaced by G.
Protein change: p.Lys720Arg; replaces lysine 720 with arginine.
Molecular consequence: missense variant. On other transcripts: non-coding transcript variant (1).
Genome position (GRCh38, 1-based): chr6:75,879,901, A>G. VCF-style: chr6-75879901-A-G. GRCh37 (hg19) VCF-style: chr6-76589618-A-G.
Other names: c.2159A>G, p.Lys720Arg (NM_001300899.2, NM_001368136.1, NM_001368137.1 and 2 more transcripts); c.2144A>G, p.Lys715Arg (NM_001368138.1); short protein forms K715R, K720R.
Identifiers: ClinVar variation 3346652 (VCV003346652.1).

ClinVar aggregate classification (germline): Uncertain significance (0 of 4 stars; one submission).

Conditions:
MYO6-related disorder. Also called: MYO6-related condition; MYO6-related disorders.

gnomAD v4.1: 4 of 1,614,180 alleles (0.00025%); highest among the groups gnomAD compares: South Asian, 0.0044%; no homozygotes.

Submission:

PreventionGenetics, part of Exact Sciences
Classification: Uncertain significance for MYO6-related condition. Last evaluated: 2024-07-19. Review status: no assertion criteria provided. Collection method: clinical testing. Allele origin: germline.
Comment: The MYO6 c.2159A>G variant is predicted to result in the amino acid substitution p.Lys720Arg. To our knowledge, this variant has not been reported in the literature. This variant is reported in 0.0065% of alleles in individuals of South Asian descent in gnomAD. At this time, the clinical significance of this variant is uncertain due to the absence of conclusive functional and genetic evidence.